The following is an entry in ClinVar:

ClinVar aggregate classification (germline): Uncertain significance (1 of 4 stars; one submission).

Conditions:
Familial thoracic aortic aneurysm and aortic dissection (TAAD). Also called: Thoracic aortic aneurysms and dissections. Identifiers: Orphanet 91387, MedGen C4707243, MONDO:0019625.

Submission:

Ambry Genetics
Classification: Uncertain significance for Familial thoracic aortic aneurysm and aortic dissection. Last evaluated: 2024-04-24. Review status: criteria provided, single submitter. Criteria: Ambry Variant Classification Scheme 2023. Collection method: clinical testing. Allele origin: germline.
Comment: The c.7930G>A (p.G2644R) alteration is located in exon 64 (coding exon 63) of the FBN1 gene. This alteration results from a G to A substitution at nucleotide position 7930, causing the glycine (G) at amino acid position 2644 to be replaced by an arginine (R). This variant was not reported in population-based cohorts in the Genome Aggregation Database (gnomAD). This amino acid position is highly conserved in available vertebrate species. This alteration is predicted to be deleterious by in silico analysis. Based on insufficient or conflicting evidence, the clinical significance of this alteration remains unclear.

NM_000138.5(FBN1):c.7930G>A (p.Gly2644Arg)

Gene: FBN1 (fibrillin 1; minus strand). Cytogenetic location: 15q21.1.
Variant type: single nucleotide variant.
Coding change: c.7930G>A on transcript NM_000138.5 (MANE Select); coding-DNA position 7930, G replaced by A.
Protein change: p.Gly2644Arg; replaces glycine 2644 with arginine.
Molecular consequence: missense variant.
Genome position (GRCh38, 1-based): chr15:48,415,657, C>T on the plus strand (G>A on the coding strand, the complement: FBN1 is on the minus strand). VCF-style: chr15-48415657-C-T. GRCh37 (hg19) VCF-style: chr15-48707854-C-T.
Other names: c.7930G>A, p.Gly2644Arg (NM_001406716.1); short protein forms G2644R.
Identifiers: ClinVar variation 3277956 (VCV003277956.1).
Genomic context (GRCh38, chr15:48,415,657, plus strand): 5'-AACAGCCATAGCTGCAGGGGGCCTGCGCAGAGCCACATTCATTGATGTCTTGGCATCCTC[C>T]ACTGAACTGTTCATACTGGAAGCCGGCGGGACACATGCACTTGTAGCTCCCCAGGGTGTT-3'
Protein context (NP_000129.3, residues 2634-2654): PAGFQYEQFS[Gly2644Arg]GCQDINECGS